The following is an entry in ClinVar:

ClinVar aggregate classification (germline): Uncertain significance (1 of 4 stars; one submission).

Allele frequency attached by ClinVar (database versions not stated): gnomAD 0.00003; 1000 Genomes Project 30x 0.00016; gnomAD exomes 0.00001; TOPMed 0.00003; ExAC 0.00001.
gnomAD v4.1: 15 of 1,612,990 alleles (0.00093%); highest among the groups gnomAD compares: South Asian, 0.0033%; no homozygotes.

Submission:

Labcorp Genetics (formerly Invitae), Labcorp
Classification: Uncertain significance. Last evaluated: 2026-02-04. Review status: criteria provided, single submitter. Criteria: Invitae Variant Classification Sherloc (09022015). Collection method: clinical testing. Allele origin: germline.
Comment: This sequence change replaces glutamic acid, which is acidic and polar, with lysine, which is basic and polar, at codon 570 of the CFH protein (p.Glu570Lys). This variant is present in population databases (rs76405615, gnomAD 0.004%). This variant has not been reported in the literature in individuals affected with CFH-related conditions. ClinVar contains an entry for this variant (Variation ID: 2076717). An algorithm developed to predict the effect of missense changes on protein structure and function outputs the following: PolyPhen-2: "Benign". The lysine amino acid residue is found in multiple mammalian species, which suggests that this missense change does not adversely affect protein function. In summary, the available evidence is currently insufficient to determine the role of this variant in disease. Therefore, it has been classified as a Variant of Uncertain Significance.

NM_000186.4(CFH):c.1708G>A (p.Glu570Lys)

Gene: CFH (complement factor H; plus strand). Cytogenetic location: 1q31.3.
Variant type: single nucleotide variant.
Coding change: c.1708G>A on transcript NM_000186.4 (MANE Select); coding-DNA position 1708, G replaced by A.
Protein change: p.Glu570Lys; replaces glutamic acid 570 with lysine.
Molecular consequence: missense variant.
Genome position (GRCh38, 1-based): chr1:196,725,132, G>A. VCF-style: chr1-196725132-G-A. GRCh37 (hg19) VCF-style: chr1-196694262-G-A.
Other names: short protein forms E570K.
Identifiers: ClinVar variation 2076717 (VCV002076717.4), dbSNP rs76405615, ClinGen allele CA1305468.